The following is an entry in ClinVar:

NM_000023.4(SGCA):c.202G>A (p.Gly68Arg)

Gene: SGCA (sarcoglycan alpha; plus strand). Cytogenetic location: 17q21.33.
Variant type: single nucleotide variant.
Coding change: c.202G>A on transcript NM_000023.4 (MANE Select); coding-DNA position 202, G replaced by A.
Protein change: p.Gly68Arg; replaces glycine 68 with arginine.
Molecular consequence: missense variant. On other transcripts: non-coding transcript variant (1).
Genome position (GRCh38, 1-based): chr17:50,167,626, G>A. VCF-style: chr17-50167626-G-A. GRCh37 (hg19) VCF-style: chr17-48244987-G-A.
Other names: c.202G>A, p.Gly68Arg (NM_001135697.3); short protein forms G68R.
Identifiers: ClinVar variation 3383365 (VCV003383365.1).

ClinVar aggregate classification (germline): Uncertain significance (1 of 4 stars; one submission).

Conditions:
Autosomal recessive limb-girdle muscular dystrophy type 2D (LGMDR3). Also called: ADHALINOPATHY, PRIMARY; DUCHENNE-LIKE AUTOSOMAL RECESSIVE MUSCULAR DYSTROPHY, TYPE 2; MUSCULAR DYSTROPHY, LIMB-GIRDLE, AUTOSOMAL RECESSIVE 3. Identifiers: Orphanet 62, MedGen C2936332, MONDO:0011968, OMIM 608099. Disease mechanism: Affects gamma-sarcoglycan and also disrupts the integrity of the entire sarcoglycan complex..

Submission:

Diagnostics Services (NGS), CSIR - Centre For Cellular And Molecular Biology
Classification: Uncertain significance for Autosomal recessive limb-girdle muscular dystrophy type 2D. Last evaluated: 2024-11-25. Review status: criteria provided, single submitter. Criteria: ACMG Guidelines, 2015. Collection method: clinical testing. Allele origin: germline. Affected: yes. Observed: 1 variant allele, 1 homozygote.
Comment: The c.202G>A variant is not present in publicly available population databases like 1000 Genomes, EVS, ExAC, gnomAD, Indian Exome Database or our internal database. This variant has neither been published in literature with SGCA-related conditions nor reported to the clinical databases like ClinVar, Human Gene Mutation Database (HGMD) or OMIM, in any affected individuals. In-silico pathogenicity prediction programs like Polyphen-2, MutationTaster2, CADD, Varsome, Franklin etc predicted this variant to be likely deleterious, however these predictions were not confirmed by published functional studies. This variant is located in a mutational hotspot region of the gene and a different amino acid change in the same codon (Gly68Glu) has been previously observed in affected individuals [PMID: 7663524] and reported to the ClinVar database as ‘Pathogenic’.